The following is an entry in ClinVar:

ClinVar aggregate classification (germline): Uncertain significance. Review status: criteria provided, multiple submitters, no conflicts (2 of 4 stars). 2 submissions from 2 submitters: Uncertain significance (2). Last evaluated 2026-06-08.

Conditions:
CR2-related disorder. Also called: CR2-related condition; CR2-related disorders.
Immunodeficiency, common variable, 7. Identifiers: Orphanet 1572, Orphanet 696894, MedGen C3542922, MONDO:0013862, OMIM 614699.

Allele frequency attached by ClinVar (database versions not stated): gnomAD exomes 0.00001 and 0.00002; ExAC 0.00002; TOPMed 0.00002.
gnomAD v4.1: 16 of 1,613,894 alleles (0.00099%); highest among the groups gnomAD compares: Admixed American, 0.0017%; no homozygotes.

Submissions (2):

PreventionGenetics, part of Exact Sciences
Classification: Uncertain significance for CR2-related condition. Last evaluated: 2026-06-08. Review status: criteria provided, single submitter. Criteria: ACMG Guidelines, 2015. Collection method: clinical testing. Allele origin: germline.
Comment: The CR2 c.2168A>G variant is predicted to result in the amino acid substitution p.His723Arg. To our knowledge, this variant has not been reported in the literature. This variant is reported in 0.0029% of alleles in individuals of Latino descent in gnomAD. At this time, the clinical significance of this variant is uncertain due to the absence of conclusive functional and genetic evidence.

Labcorp Genetics (formerly Invitae), Labcorp
Classification: Uncertain significance for Immunodeficiency, common variable, 7. Last evaluated: 2025-05-08. Review status: criteria provided, single submitter. Criteria: Invitae Variant Classification Sherloc (09022015). Collection method: clinical testing. Allele origin: germline.
Comment: This sequence change replaces histidine, which is basic and polar, with arginine, which is basic and polar, at codon 723 of the CR2 protein (p.His723Arg). This variant is present in population databases (rs762638244, gnomAD 0.003%). This variant has not been reported in the literature in individuals affected with CR2-related conditions. ClinVar contains an entry for this variant (Variation ID: 961579). An algorithm developed to predict the effect of missense changes on protein structure and function (PolyPhen-2) suggests that this variant is likely to be tolerated. In summary, the available evidence is currently insufficient to determine the role of this variant in disease. Therefore, it has been classified as a Variant of Uncertain Significance.

NM_001006658.3(CR2):c.2168A>G (p.His723Arg)

Gene: CR2 (complement C3d receptor 2; plus strand). Cytogenetic location: 1q32.2.
Variant type: single nucleotide variant.
Coding change: c.2168A>G on transcript NM_001006658.3 (MANE Select); coding-DNA position 2168, A replaced by G.
Protein change: p.His723Arg; replaces histidine 723 with arginine.
Molecular consequence: missense variant.
Genome position (GRCh38, 1-based): chr1:207,473,813, A>G. VCF-style: chr1-207473813-A-G. GRCh37 (hg19) VCF-style: chr1-207647158-A-G.
Other names: c.1991A>G, p.His664Arg (NM_001877.5); short protein forms H723R, H664R.
Identifiers: ClinVar variation 961579 (VCV000961579.9), dbSNP rs762638244, ClinGen allele CA1368904.
Genomic context (GRCh38, chr1:207,473,813, plus strand): 5'-TGATATGAGACATCTATAAATACTGTAATTCCATCCTTGCTTCTCCAGAAACATGCCAGC[A>G]TGTGAGACAGAGTCTTCAAGAACTTCCAGCTGGTTCACGTGTGGAGCTAGTTAATACGTC-3'
Protein context (NP_001006659.1, residues 713-733): SAPRCEETCQ[His723Arg]VRQSLQELPA